The following is an entry in ClinVar:

NM_002691.4(POLD1):c.1205A>T (p.Asp402Val)

Gene: POLD1 (DNA polymerase delta 1, catalytic subunit; plus strand). Cytogenetic location: 19q13.33.
Variant type: single nucleotide variant.
Coding change: c.1205A>T on transcript NM_002691.4 (MANE Select); coding-DNA position 1205, A replaced by T.
Protein change: p.Asp402Val; replaces aspartic acid 402 with valine.
Molecular consequence: missense variant. On other transcripts: non-coding transcript variant (1).
Genome position (GRCh38, 1-based): chr19:50,403,560, A>T. VCF-style: chr19-50403560-A-T. GRCh37 (hg19) VCF-style: chr19-50906817-A-T.
Other names: c.1205A>T, p.Asp402Val (NM_001256849.1, NM_001308632.1); c.1205A>T (NM_002691.2); short protein forms D402V.
Identifiers: ClinVar variation 855690 (VCV000855690.9), dbSNP rs1555790579, ClinGen allele CA406978575.
Genomic context (GRCh38, chr19:50,403,560, plus strand): 5'-CCACCTTCATCCGTATCATGGACCCCGACGTGATCACCGGTTACAACATCCAGAACTTCG[A>T]CCTTCCGTACCTCATCTCTCGGGCCCAGACCCTCAAGGTGAGGGCTGGGCAGGTGGGAGG-3'
Protein context (NP_002682.2, residues 392-412): VITGYNIQNF[Asp402Val]LPYLISRAQT

ClinVar aggregate classification (germline): Uncertain significance. Review status: criteria provided, multiple submitters, no conflicts (2 of 4 stars). 2 submissions from 2 submitters: Uncertain significance (2). Last evaluated 2025-03-28.

Conditions:
POLD1-related polyposis and colorectal cancer syndrome (CRCS10). Also called: Colorectal cancer 10; COLORECTAL CANCER, SUSCEPTIBILITY TO, ON CHROMOSOME 19q; Colorectal cancer, susceptibility to, 10. Identifiers: Orphanet 220460, MedGen C2675481, MONDO:0012953, OMIM 612591.
Hereditary cancer-predisposing syndrome. Also called: Tumor predisposition; Hereditary Cancer Syndrome; Hereditary neoplastic syndrome; Neoplastic Syndromes, Hereditary. Identifiers: Orphanet 140162, MedGen C0027672, MeSH D009386, MONDO:0015356.

Submissions (2):

Ambry Genetics
Classification: Uncertain significance for Hereditary cancer-predisposing syndrome. Last evaluated: 2025-03-28. Review status: criteria provided, single submitter. Criteria: Ambry Variant Classification Scheme 2023. Collection method: clinical testing. Allele origin: germline.
Comment: The p.D402V variant (also known as c.1205A>T), located in coding exon 9 of the POLD1 gene, results from an A to T substitution at nucleotide position 1205. The aspartic acid at codon 402 is replaced by valine, an amino acid with highly dissimilar properties. This amino acid position is highly conserved in available vertebrate species. In addition, this alteration is predicted to be deleterious by in silico analysis. Based on the available evidence, the clinical significance of this variant remains unclear.

Labcorp Genetics (formerly Invitae), Labcorp
Classification: Uncertain significance for POLD1-related polyposis and colorectal cancer syndrome. Last evaluated: 2024-04-24. Review status: criteria provided, single submitter. Criteria: Invitae Variant Classification Sherloc (09022015). Collection method: clinical testing. Allele origin: germline.
Comment: This sequence change replaces aspartic acid, which is acidic and polar, with valine, which is neutral and non-polar, at codon 402 of the POLD1 protein (p.Asp402Val). This variant is not present in population databases (gnomAD no frequency). This variant has not been reported in the literature in individuals affected with POLD1-related conditions. ClinVar contains an entry for this variant (Variation ID: 855690). Advanced modeling of protein sequence and biophysical properties (such as structural, functional, and spatial information, amino acid conservation, physicochemical variation, residue mobility, and thermodynamic stability) performed at Invitae indicates that this missense variant is expected to disrupt POLD1 protein function with a positive predictive value of 80%. In summary, the available evidence is currently insufficient to determine the role of this variant in disease. Therefore, it has been classified as a Variant of Uncertain Significance.